The following is an entry in ClinVar:

ClinVar aggregate classification (germline): Likely benign. Review status: criteria provided, multiple submitters, no conflicts (2 of 4 stars). 3 submissions from 3 submitters: Likely benign (3). Last evaluated 2025-12-26.

Conditions:
3-Methylglutaconic aciduria type 2 (BTHS). Also called: Barth syndrome; CARDIOSKELETAL MYOPATHY WITH NEUTROPENIA AND ABNORMAL MITOCHONDRIA. Identifiers: Orphanet 111, MedGen C0574083, MONDO:0010543, OMIM 302060.

Allele frequency attached by ClinVar (database versions not stated): ExAC 0.00002; gnomAD exomes 0.00003 and 0.00004; gnomAD 0.00004; TOPMed 0.00004; ESP Exome Variant Server 0.00009.
gnomAD v4.1: 47 of 1,211,130 alleles (0.0039%); highest among the groups gnomAD compares: Non-Finnish European, 0.0044%; no homozygotes.

Submissions (3):

Labcorp Genetics (formerly Invitae), Labcorp
Classification: Likely benign for 3-Methylglutaconic aciduria type 2. Last evaluated: 2025-12-26. Review status: criteria provided, single submitter. Criteria: Invitae Variant Classification Sherloc (09022015). Collection method: clinical testing. Allele origin: germline.

GeneDx
Classification: Likely benign. Last evaluated: 2016-07-14. Review status: criteria provided, single submitter. Criteria: GeneDx Variant Classification (06012015). Collection method: clinical testing. Allele origin: germline. Affected: yes.
Comment: This variant is considered likely benign or benign based on one or more of the following criteria: it is a conservative change, it occurs at a poorly conserved position in the protein, it is predicted to be benign by multiple in silico algorithms, and/or has population frequency not consistent with disease.

Laboratory for Molecular Medicine, Mass General Brigham Personalized Medicine
Classification: Likely benign. Last evaluated: 2010-01-04. Review status: criteria provided, single submitter. Criteria: LMM Criteria. Collection method: clinical testing. Allele origin: germline. Observed: 1 variant allele.

NM_000116.5(TAFAZZIN):c.583+10G>A

Gene: TAFAZZIN (tafazzin, phospholipid-lysophospholipid transacylase; plus strand). Cytogenetic location: Xq28.
Variant type: single nucleotide variant.
Coding change: c.583+10G>A on transcript NM_000116.5 (MANE Select); 10 bases into the intron after coding-DNA position 583, G replaced by A.
Molecular consequence: intron variant.
Genome position (GRCh38, 1-based): chrX:154,419,756, G>A. VCF-style: chrX-154419756-G-A. GRCh37 (hg19) VCF-style: chrX-153648095-G-A.
Other names: c.595+133G>A (NM_001303465.2); c.541+133G>A (NM_181312.4); c.493+10G>A (NM_181311.4); c.451+133G>A (NM_181313.4).
Identifiers: ClinVar variation 42262 (VCV000042262.12), dbSNP rs370536414, ClinGen allele CA131108.